The following is an entry in ClinVar:

NC_000011.9:g.(?_108129703)_(108236235_?)dup

Gene: ATM (ATM serine/threonine kinase; plus strand). Cytogenetic location: 11q22.3.
Variant type: Duplication.
Identifiers: ClinVar variation 3244491 (VCV003244491.1).

ClinVar aggregate classification (germline): Uncertain significance (1 of 4 stars; one submission).

Conditions:
Ataxia-telangiectasia syndrome (AT). Also called: LOUIS-BAR SYNDROME; Cerebello-oculocutaneous telangiectasia; Immunodeficiency with ataxia telangiectasia; AT, COMPLEMENTATION GROUP C; Ataxia-telangiectasia, complementation group D; ATAXIA-TELANGIECTASIA, COMPLEMENTATION GROUP A. Identifiers: Orphanet 100, MedGen C0004135, MONDO:0008840, OMIM 208900.

Submission:

Labcorp Genetics (formerly Invitae), Labcorp
Classification: Uncertain significance for Ataxia-telangiectasia syndrome. Last evaluated: 2022-11-02. Review status: criteria provided, single submitter. Criteria: Invitae Variant Classification Sherloc (09022015). Collection method: clinical testing. Allele origin: unknown.
Comment: In summary, the available evidence is currently insufficient to determine the role of this variant in disease. Therefore, it has been classified as a Variant of Uncertain Significance. Experimental studies and prediction algorithms are not available or were not evaluated, and the functional significance of this variant is currently unknown. This variant has not been reported in the literature in individuals affected with ATM-related conditions. This variant results in a copy number gain of the genomic region encompassing exon(s) 16-63 of the ATM gene. This region includes the termination codon of the gene. This copy number gain extends beyond the assayed region for this gene and therefore may encompass additional genes. As the precise location of this event is unknown, it may be in tandem or it may be located elsewhere in the genome.